The following is an entry in ClinVar:

ClinVar aggregate classification (germline): Pathogenic/Likely pathogenic. Review status: criteria provided, multiple submitters, no conflicts (2 of 4 stars). 3 submissions from 3 submitters: Pathogenic (1); Likely pathogenic (2). Last evaluated 2025-08-14.

Conditions:
Autosomal recessive distal spinal muscular atrophy 1. Also called: HMN VI; NEURONOPATHY, SEVERE INFANTILE AXONAL, WITH RESPIRATORY FAILURE; NEURONOPATHY, DISTAL HEREDITARY MOTOR, HARDING TYPE VI; NEUROPATHY, DISTAL HEREDITARY MOTOR, AUTOSOMAL RECESSIVE 1; SEVERE INFANTILE AXONAL NEUROPATHY WITH RESPIRATORY FAILURE; SPINAL MUSCULAR ATROPHY, DIAPHRAGMATIC. Identifiers: Orphanet 98920, MedGen C1858517, MONDO:0011436, OMIM 604320.
Charcot-Marie-Tooth disease axonal type 2S. Also called: CHARCOT-MARIE-TOOTH DISEASE, AXONAL, AUTOSOMAL RECESSIVE, TYPE 2S; CHARCOT-MARIE-TOOTH NEUROPATHY, TYPE 2S. Identifiers: Orphanet 443073, MedGen C4015349, MONDO:0014511, OMIM 616155.

Allele frequency attached by ClinVar (database versions not stated): gnomAD exomes below 0.00001 and 0.00001; TOPMed below 0.00001.
gnomAD v4.1: 10 of 1,611,770 alleles (0.00062%); highest among the groups gnomAD compares: East Asian, 0.0022%; no homozygotes.

Submissions (3):

GeneDx
Classification: Likely pathogenic. Last evaluated: 2025-08-14. Review status: criteria provided, single submitter. Criteria: GeneDx Variant Classification Process June 2021. Collection method: clinical testing. Allele origin: germline. Affected: yes.
Comment: Not observed at significant frequency in large population cohorts (gnomAD); In silico analysis suggests that this missense variant does not alter protein structure/function; This variant is associated with the following publications: (PMID: 30598237, Khairat 2021, 24388491, 25439726, 22965130)

Labcorp Genetics (formerly Invitae), Labcorp
Classification: Pathogenic for Autosomal recessive distal spinal muscular atrophy 1; Charcot-Marie-Tooth disease axonal type 2S. Last evaluated: 2024-05-04. Review status: criteria provided, single submitter. Criteria: Invitae Variant Classification Sherloc (09022015). Collection method: clinical testing. Allele origin: germline.
Comment: This sequence change replaces serine, which is neutral and polar, with leucine, which is neutral and non-polar, at codon 539 of the IGHMBP2 protein (p.Ser539Leu). The frequency data for this variant in the population databases is considered unreliable, as metrics indicate poor data quality at this position in the gnomAD database. This missense change has been observed in individual(s) with clinical features of autosomal recessive distal hereditary motor neuropathy and/or spinal muscular atrophy with respiratory distress type 1 (SMARD1) (PMID: 30598237; Invitae). In at least one individual the data is consistent with being in trans (on the opposite chromosome) from a pathogenic variant. ClinVar contains an entry for this variant (Variation ID: 245629). Advanced modeling of protein sequence and biophysical properties (such as structural, functional, and spatial information, amino acid conservation, physicochemical variation, residue mobility, and thermodynamic stability) has been performed at Invitae for this missense variant, however the output from this modeling did not meet the statistical confidence thresholds required to predict the impact of this variant on IGHMBP2 protein function. For these reasons, this variant has been classified as Pathogenic.

Service de Pédiatrie - Neurologie et infectiologie - Toulouse, CHU de Toulouse - Hôpital des Enfants
Classification: Likely pathogenic for Autosomal recessive distal spinal muscular atrophy 1. Last evaluated: 2016-08-17. Review status: criteria provided, single submitter. Criteria: ACMG Guidelines, 2015. Collection method: clinical testing. Allele origin: inherited. Inheritance: Autosomal recessive inheritance. Affected: yes. Observed: 2 variant alleles, 2 homozygotes. Clinical features observed: Diaphragmatic paralysis (HP:0006597), Generalized hypotonia (HP:0001290), Distal amyotrophy (HP:0003693), Areflexia (HP:0001284), Muscular atrophy (HP:0003202).
Comment: 6 typical cases of SMARD1 were observed with an homozygous mutation at this location. Although it is a missense mutation on a poorly conserved portion of DNA across species, it involves the main functional domain of the protein IGHMBP 2 the DNA helicase domain, on a specific region where ATP binding sites seems to be concentrated (region 2A).

Literature cited by the submitters: PubMed 30598237 (cited by Labcorp Genetics (formerly Invitae), Labcorp).

NM_002180.3(IGHMBP2):c.1616C>T (p.Ser539Leu)

Genes: IGHMBP2 (immunoglobulin mu DNA binding protein 2; plus strand), LOC126861245 (CDK7 strongly-dependent group 2 enhancer GRCh37_chr11:68701479-68702678; plus strand). Cytogenetic location: 11q13.3.
Variant type: single nucleotide variant.
Coding change: c.1616C>T on transcript NM_002180.3 (MANE Select); coding-DNA position 1616, C replaced by T.
Protein change: p.Ser539Leu; replaces serine 539 with leucine.
Molecular consequence: missense variant.
Genome position (GRCh38, 1-based): chr11:68,934,542, C>T. VCF-style: chr11-68934542-C-T. GRCh37 (hg19) VCF-style: chr11-68702010-C-T.
Other names: SMUBP2; short protein forms S539L.
Identifiers: ClinVar variation 245629 (VCV000245629.12), dbSNP rs879253887, ClinGen allele CA10584389.
Genomic context (GRCh38, chr11:68,934,542, plus strand): 5'-GTTTGCACATCCAGGCTCTGGTGGACGCTGGTGTTCCAGCCCGTGACATTGCTGTGGTCT[C>T]GCCATACAACCTCCAGGTACGAGGGTTTCCTTTTGTCCCTCTACAGAGCAGCTGGGGCTC-3'
Protein context (NP_002171.2, residues 529-549): GVPARDIAVV[Ser539Leu]PYNLQVDLLR